The following is an entry in ClinVar:

ClinVar aggregate classification (germline): Uncertain significance (1 of 4 stars; one submission).

Submission:

Labcorp Genetics (formerly Invitae), Labcorp
Classification: Uncertain significance. Last evaluated: 2026-01-18. Review status: criteria provided, single submitter. Criteria: Invitae Variant Classification Sherloc (09022015). Collection method: clinical testing. Allele origin: germline.
Comment: This sequence change replaces serine, which is neutral and polar, with tyrosine, which is neutral and polar, at codon 143 of the IHH protein (p.Ser143Tyr). This variant is not present in population databases (gnomAD no frequency). This variant has not been reported in the literature in individuals affected with IHH-related conditions. Invitae Evidence Modeling of protein sequence and biophysical properties (such as structural, functional, and spatial information, amino acid conservation, physicochemical variation, residue mobility, and thermodynamic stability) indicates that this missense variant is expected to disrupt IHH protein function with a positive predictive value of 80%. In summary, the available evidence is currently insufficient to determine the role of this variant in disease. Therefore, it has been classified as a Variant of Uncertain Significance.

NM_002181.4(IHH):c.428C>A (p.Ser143Tyr)

Gene: IHH (Indian hedgehog signaling molecule; minus strand). Cytogenetic location: 2q35.
Variant type: single nucleotide variant.
Coding change: c.428C>A on transcript NM_002181.4 (MANE Select); coding-DNA position 428, C replaced by A.
Protein change: p.Ser143Tyr; replaces serine 143 with tyrosine.
Molecular consequence: missense variant.
Genome position (GRCh38, 1-based): chr2:219,057,582, G>T on the plus strand (C>A on the coding strand, the complement: IHH is on the minus strand). VCF-style: chr2-219057582-G-T. GRCh37 (hg19) VCF-style: chr2-219922304-G-T.
Other names: short protein forms S143Y.
Identifiers: ClinVar variation 4744951 (VCV004744951.1).